The following is an entry in ClinVar:

ClinVar aggregate classification (germline): Benign/Likely benign. Review status: criteria provided, multiple submitters, no conflicts (2 of 4 stars). 2 submissions from 2 submitters: Benign (1); Likely benign (1). Last evaluated 2024-06-15.

Allele frequency attached by ClinVar (database versions not stated): gnomAD exomes 0.00084 and 0.00222; ExAC 0.00632; ESP Exome Variant Server 0.00851; 1000 Genomes Project 30x 0.00796; 1000 Genomes Project 0.00739; gnomAD 0.00876 and 0.00938; TOPMed 0.00966.
gnomAD v4.1: 2,593 of 1,586,522 alleles (0.16%); highest among the groups gnomAD compares: African/African-American, 3.1%; 32 homozygotes.

Submissions (2):

Mayo Clinic Laboratories, Mayo Clinic
Classification: Likely benign. Last evaluated: 2024-06-15. Review status: criteria provided, single submitter. Criteria: ACMG Guidelines, 2015. Collection method: clinical testing. Allele origin: germline. Observed: 4 variant alleles.
Comment: BS1, BP4, BP7

Labcorp Genetics (formerly Invitae), Labcorp
Classification: Benign. Last evaluated: 2019-12-31. Review status: criteria provided, single submitter. Criteria: Invitae Variant Classification Sherloc (09022015). Collection method: clinical testing. Allele origin: germline.

NM_001385012.1(NBEA):c.8662-8T>C

Gene: NBEA (neurobeachin; plus strand). Cytogenetic location: 13q13.3.
Variant type: single nucleotide variant.
Coding change: c.8662-8T>C on transcript NM_001385012.1 (MANE Select); 8 bases into the intron before coding-DNA position 8662, T replaced by C.
Molecular consequence: intron variant.
Genome position (GRCh38, 1-based): chr13:35,668,360, T>C. VCF-style: chr13-35668360-T-C. GRCh37 (hg19) VCF-style: chr13-36242497-T-C.
Other names: p.?; c.8599-8T>C (NM_015678.5); c.8653-8T>C (NM_001379245.1); c.1978-8T>C (NM_001204197.3).
Identifiers: ClinVar variation 717313 (VCV000717313.5), dbSNP rs115192506, ClinGen allele CA6948036.